The following is an entry in ClinVar:

ClinVar aggregate classification (germline): Pathogenic (1 of 4 stars; one submission).

Allele frequency attached by ClinVar (database versions not stated): gnomAD 0.00001; gnomAD exomes 0.00001; TOPMed 0.00001.
gnomAD v4.1: 21 of 1,613,938 alleles (0.0013%); highest among the groups gnomAD compares: Non-Finnish European, 0.0016%; no homozygotes.

Submission:

Labcorp Genetics (formerly Invitae), Labcorp
Classification: Pathogenic. Last evaluated: 2022-12-13. Review status: criteria provided, single submitter. Criteria: Invitae Variant Classification Sherloc (09022015). Collection method: clinical testing. Allele origin: germline.
Comment: For these reasons, this variant has been classified as Pathogenic. This variant has not been reported in the literature in individuals affected with ZNF335-related conditions. This variant is not present in population databases (gnomAD no frequency). This sequence change creates a premature translational stop signal (p.Ser1070*) in the ZNF335 gene. It is expected to result in an absent or disrupted protein product. Loss-of-function variants in ZNF335 are known to be pathogenic (PMID: 23178126, 26795593).

Literature cited by the submitters: PubMed 23178126; PubMed 26795593.

NM_022095.4(ZNF335):c.3209C>G (p.Ser1070Ter)

Gene: ZNF335 (zinc finger protein 335; minus strand). Cytogenetic location: 20q13.12.
Variant type: single nucleotide variant.
Coding change: c.3209C>G on transcript NM_022095.4 (MANE Select); coding-DNA position 3209, C replaced by G.
Protein change: p.Ser1070Ter; replaces serine 1070 with a stop codon.
Molecular consequence: nonsense.
Genome position (GRCh38, 1-based): chr20:45,950,576, G>C on the plus strand (C>G on the coding strand, the complement: ZNF335 is on the minus strand). VCF-style: chr20-45950576-G-C. GRCh37 (hg19) VCF-style: chr20-44579215-G-C.
Other names: short protein forms S1070*.
Identifiers: ClinVar variation 1973912 (VCV001973912.5), dbSNP rs1362893874, ClinGen allele CA409236989.